The following is an entry in ClinVar:

NM_001040142.2(SCN2A):c.2659G>T (p.Val887Leu)

Gene: SCN2A (sodium voltage-gated channel alpha subunit 2; plus strand). Cytogenetic location: 2q24.3.
Variant type: single nucleotide variant.
Coding change: c.2659G>T on transcript NM_001040142.2 (MANE Select); coding-DNA position 2659, G replaced by T.
Protein change: p.Val887Leu; replaces valine 887 with leucine.
Molecular consequence: missense variant.
Genome position (GRCh38, 1-based): chr2:165,344,651, G>T. VCF-style: chr2-165344651-G-T. GRCh37 (hg19) VCF-style: chr2-166201161-G-T.
Other names: c.2659G>T, p.Val887Leu (NM_021007.3, NM_001040143.2, NM_001371246.1 and 1 more transcripts); short protein forms V887L.
Identifiers: ClinVar variation 4850844 (VCV004850844.2).

ClinVar aggregate classification (germline): Pathogenic/Likely pathogenic. Review status: criteria provided, multiple submitters, no conflicts (2 of 4 stars). 2 submissions from 2 submitters: Pathogenic (1); Likely pathogenic (1). Last evaluated 2026-02-03.

Conditions:
Developmental and epileptic encephalopathy, 11 (DEE11). Also called: Early infantile epileptic encephalopathy 11. Identifiers: Orphanet 1934, MedGen C3150987, MONDO:0013388, OMIM 613721.
Complex neurodevelopmental disorder. Identifiers: Orphanet 528084, MedGen C5568766, MONDO:0100038.

Submissions (2):

Clinical Genomic Analysis (GENYSIS) Core, University of North Carolina at Chapel Hill
Classification: Likely pathogenic for Complex neurodevelopmental disorder. Last evaluated: 2026-02-03. Review status: criteria provided, single submitter. Criteria: ACMG Guidelines, 2015. Collection method: research. Allele origin: de novo. Affected: yes. Observed: 1 variant allele, 1 heterozygote. Study: UNC Genetic Determinants of Neurological and Developmental Disorders (GDNDD) Study.
Comment: SCN2A c.2659G>T, p.(Val887Leu), is a missense variant that changes a single amino acid from a highly conserved valine to a leucine. This variant is not present in control individuals in gnomADv4.1 and has not previously been reported in the literature or ClinVar. However, a different variant that results in the same amino acid change, c.2659G>C; p.(Val887Leu), has been reported as Pathogenic/Likely Pathogenic in ClinVar (Accession: VCV000801778.3). The c.2659G>T variant is located within a pathogenic enriched region (PER) of the sodium channel pore region and multiple in silico models predict that the variant has a damaging effect on the protein. Given the available evidence, this de novo variant is classified as Likely Pathogenic per the ClinGen Epilepsy Sodium Channel Expert Panel Specifications to the ACMG/AMP Variant Interpretation Guidelines for SCN2A version 2.0.0. ACMG codes: PS1_Moderate (SCN2A:c.2659G>C also pathogenic) = 2 pts, PS2_Moderate (confirmed de novo) = 2 pts, PM1 (PER #5) = 2 pts, PM2_supporting (absent from gnomAD) = 1pt [Total = 7 points]

3billion
Classification: Pathogenic for Developmental and epileptic encephalopathy, 11. Last evaluated: 2025-12-24. Review status: criteria provided, single submitter. Criteria: ACMG Guidelines, 2015. Collection method: clinical testing. Allele origin: germline. Affected: yes.
Comment: The variant is not observed in the gnomAD v4.1.0 dataset. Predicted Consequence/Location: The variant is located in a mutational hot spot and/or well-established functional domain in which established pathogenic variants have been reported (PMID: 31871067, 32183904). In silico tool predictions suggest damaging effect of the variant on gene or gene product [REVEL: 0.83 (>=0.6, sensitivity 0.68 and specificity 0.92); 3Cnet: 1.00 (> 0.75, sensitivity 0.96 and precision 0.92)]. The different nucleotide change resulting in the same amino acid change has been previously reported as pathogenic/likely pathogenic with strong evidence (ClinVar ID: VCV000801778 /PMID: 39039281). Different missense changes at the same codon (p.Val887Ala) have been reported to be associated with SCN2A-related disorder (PMID: 28379373). Therefore, this variant is classified as Pathogenic according to the recommendation of ACMG/AMP guideline.

Literature cited by the submitters: PubMed 39039281 (cited by 3billion); PubMed 28379373 (cited by 3billion).